The following is an entry in ClinVar:

ClinVar aggregate classification (germline): other (0 of 4 stars; one submission).

Conditions:
Familial colorectal cancer. Identifiers: MedGen CN280943, MONDO:0023113. Disease mechanism: loss of function.

Allele frequency attached by ClinVar (database versions not stated): 1000 Genomes Project 30x 0.00016; 1000 Genomes Project 0.00020.
gnomAD v4.1: 12 of 665,334 alleles (0.0018%); highest among the groups gnomAD compares: East Asian, 0.035%; no homozygotes.

Submission:

Systems Biology Platform Zhejiang California International NanoSystems Institute
Classification: other for Familial colorectal cancer. Review status: no assertion criteria provided. Collection method: not provided. Allele origin: unknown.
ClinVar note: Converted during submission from cancer to other.

NM_000038.6(APC):c.730-130C>G

Gene: APC (APC regulator of WNT signaling pathway; plus strand). Cytogenetic location: 5q22.2.
Variant type: single nucleotide variant.
Coding change: c.730-130C>G on transcript NM_000038.6 (MANE Select); 130 bases into the intron before coding-DNA position 730, C replaced by G.
Molecular consequence: intron variant.
Genome position (GRCh38, 1-based): chr5:112,801,149, C>G. VCF-style: chr5-112801149-C-G. GRCh37 (hg19) VCF-style: chr5-112136846-C-G.
Other names: c.730-130C>G (NM_001354895.2, NM_001127510.3, NM_001354896.2 and 1 more transcripts); c.760-130C>G (NM_001354897.2, NM_001354902.2); c.676-130C>G (NM_001127511.3); c.655-130C>G (NM_001354898.2, NM_001354904.2); c.-306-130C>G (NM_001354906.2); c.646-130C>G (NM_001354899.2); c.553-130C>G (NM_001354900.2, NM_001354901.2, NM_001354905.2).
Identifiers: ClinVar variation 83042 (VCV000083042.2), dbSNP rs77553156, ClinGen allele CA013319.